The following is an entry in ClinVar:

NM_000548.5(TSC2):c.5202_5203delinsCG (p.Ile1735Val)

Gene: TSC2 (TSC complex subunit 2; plus strand). Cytogenetic location: 16p13.3.
Variant type: Indel.
Coding change: c.5202_5203delinsCG on transcript NM_000548.5 (MANE Select); coding-DNA positions 5202 to 5203, TA replaced by CG.
Protein change: p.Ile1735Val; replaces isoleucine 1735 with valine.
Molecular consequence: missense variant. On other transcripts: non-coding transcript variant (5).
Genome position (GRCh38, 1-based): chr16:2,088,268-2,088,269, TA replaced by CG. VCF-style: chr16-2088268-TA-CG. GRCh37 (hg19) VCF-style: chr16-2138269-TA-CG.
Other names: c.5001_5002delinsCG, p.Ile1668Val (NM_001077183.3); c.5133_5134delinsCG, p.Ile1712Val (NM_001114382.3); c.4893_4894delinsCG, p.Ile1632Val (NM_001318827.2); c.4857_4858delinsCG, p.Ile1620Val (NM_001318829.2); c.4470_4471delinsCG, p.Ile1491Val (NM_001318831.2); c.5034_5035delinsCG, p.Ile1679Val (NM_001318832.2); c.5004_5005delinsCG, p.Ile1669Val (NM_001363528.2); c.5070_5071delinsCG, p.Ile1691Val (NM_001370404.1); and 27 more; short protein forms I1469V, I1512V, I1535V, I1619V, I1620V, I1669V, I1675V, I1709V.
Identifiers: ClinVar variation 2806460 (VCV002806460.3), dbSNP rs2544495268, ClinGen allele CA2739269936.
Genomic context (GRCh38, chr16:2,088,268, plus strand): 5'-CCCCTGCCTACGTCCCCAGATGGCCTCACAGGTGCATCATAGCCGCTCCAACCCCACCGA[TA>CG]TCTACCCCTCCAAGTGGATTGCCCGGCTCCGCCACATCAAGCGGCTCCGCCAGCGGGTAG-3'
Protein context (NP_000539.2, residues 1725-1745): VHHSRSNPTD[Ile1735Val]YPSKWIARLR

ClinVar aggregate classification (germline): Uncertain significance (1 of 4 stars; one submission).

Conditions:
Tuberous sclerosis 2 (TSC2). Identifiers: Orphanet 805, MedGen C1860707, MONDO:0013199, OMIM 613254.

Submission:

Labcorp Genetics (formerly Invitae), Labcorp
Classification: Uncertain significance for Tuberous sclerosis 2. Last evaluated: 2024-09-06. Review status: criteria provided, single submitter. Criteria: Invitae Variant Classification Sherloc (09022015). Collection method: clinical testing. Allele origin: germline.
Comment: This sequence change replaces isoleucine, which is neutral and non-polar, with valine, which is neutral and non-polar, at codon 1735 of the TSC2 protein (p.Ile1735Val). Information on the frequency of this variant in the gnomAD database is not available, as this variant may be reported differently in the database. This variant has not been reported in the literature in individuals affected with TSC2-related conditions. Experimental studies and prediction algorithms are not available or were not evaluated, and the functional significance of this variant is currently unknown. In summary, the available evidence is currently insufficient to determine the role of this variant in disease. Therefore, it has been classified as a Variant of Uncertain Significance.